The following is an entry in ClinVar:

ClinVar aggregate classification (germline): Likely benign (1 of 4 stars; one submission).

Allele frequency attached by ClinVar (database versions not stated): gnomAD exomes 0.00107; gnomAD 0.01245 and 0.01319; TOPMed 0.01414; 1000 Genomes Project 0.01617; 1000 Genomes Project 30x 0.01780.
gnomAD v4.1: 1,894 of 170,750 alleles (1.1%); highest among the groups gnomAD compares: African/African-American, 4.3%; 36 homozygotes.

Submission:

GeneDx
Classification: Likely benign. Last evaluated: 2018-06-19. Review status: criteria provided, single submitter. Criteria: GeneDx Variant Classification (06012015). Collection method: clinical testing. Allele origin: germline. Affected: yes.
Comment: This variant is considered likely benign or benign based on one or more of the following criteria: it is a conservative change, it occurs at a poorly conserved position in the protein, it is predicted to be benign by multiple in silico algorithms, and/or has population frequency not consistent with disease.

NM_001042432.2(CLN3):c.294+286A>G

Gene: CLN3 (CLN3 lysosomal/endosomal transmembrane protein, battenin; minus strand). Cytogenetic location: 16p12.1.
Variant type: single nucleotide variant.
Coding change: c.294+286A>G on transcript NM_001042432.2 (MANE Select); 286 bases into the intron after coding-DNA position 294, A replaced by G.
Molecular consequence: intron variant.
Genome position (GRCh38, 1-based): chr16:28,488,305, T>C on the plus strand (A>G on the coding strand, the complement: CLN3 is on the minus strand). VCF-style: chr16-28488305-T-C. GRCh37 (hg19) VCF-style: chr16-28499626-T-C.
Other names: c.61-564A>G (NM_001286109.2); c.223-564A>G (NM_001286104.2); c.74+286A>G (NM_001286105.2); c.132+286A>G (NM_001286110.2); c.294+286A>G (NM_000086.2).
Identifiers: ClinVar variation 671815 (VCV000671815.1), dbSNP rs141294620, ClinGen allele CA279785919.